The following is an entry in ClinVar:

NM_014009.4(FOXP3):c.1189C>T (p.Arg397Trp)

Gene: FOXP3 (forkhead box P3; minus strand). Cytogenetic location: Xp11.23.
Variant type: single nucleotide variant.
Coding change: c.1189C>T on transcript NM_014009.4 (MANE Select); coding-DNA position 1189, C replaced by T.
Protein change: p.Arg397Trp; replaces arginine 397 with tryptophan.
Molecular consequence: missense variant.
Genome position (GRCh38, 1-based): chrX:49,251,441, G>A on the plus strand (C>T on the coding strand, the complement: FOXP3 is on the minus strand). VCF-style: chrX-49251441-G-A. GRCh37 (hg19) VCF-style: chrX-49107902-G-A.
Other names: c.1084C>T, p.Arg362Trp (NM_001114377.2); short protein forms R397W, R362W.
Identifiers: ClinVar variation 11407 (VCV000011407.13), dbSNP rs28935477, ClinGen allele CA255855.
Genomic context (GRCh38, chrX:49,251,441, plus strand): 5'-GTTTCTTGCGGAACTCCAGCTCATCCACGGTCCACACAGCCCCCTTCTCGCTCTCCACCC[G>A]CACAAAGCACTTGTGCAGACTCAGGTTGTGGCGGATGGCGTTCTGTGGAAGGCCGGGGAC-3'
Protein context (NP_054728.2, residues 387-407): HNLSLHKCFV[Arg397Trp]VESEKGAVWT

ClinVar aggregate classification (germline): Pathogenic. Review status: criteria provided, multiple submitters, no conflicts (2 of 4 stars). 5 submissions from 5 submitters: Pathogenic (4). 1 of the submissions does not count toward it. Last evaluated 2021-12-03.

Conditions:
FOXP3-related disorder. Also called: FOXP3-related condition.
Insulin-dependent diabetes mellitus secretory diarrhea syndrome (IPEX). Also called: DIABETES MELLITUS, CONGENITAL INSULIN-DEPENDENT, WITH FATAL SECRETORY DIARRHEA; DIARRHEA, POLYENDOCRINOPATHY, FATAL INFECTION SYNDROME, X-LINKED; ENTEROPATHY, AUTOIMMUNE, WITH HEMOLYTIC ANEMIA AND POLYENDOCRINOPATHY; IMMUNODEFICIENCY, POLYENDOCRINOPATHY, AND ENTEROPATHY, X-LINKED; IPEX and IPEX-Like; Immunodeficiency, Polyendocrinopathy, and Enteropathy X-Linked Syndrome. Identifiers: Orphanet 37042, MedGen C0342288, MONDO:0010580, OMIM 304790. Disease mechanism: loss of function.
Hydrops fetalis. Identifiers: Orphanet 1041, MedGen C0020305, MONDO:0015193, HP:0001789.

Allele frequency attached by ClinVar (database versions not stated): TOPMed below 0.00001; gnomAD exomes 0.00001; gnomAD 0.00002.

Submissions (5):

Women's Health and Genetics/Laboratory Corporation of America, LabCorp
Classification: Pathogenic for Insulin-dependent diabetes mellitus secretory diarrhea syndrome. Last evaluated: 2021-12-03. Review status: criteria provided, single submitter. Criteria: LabCorp Variant Classification Summary - May 2015. Collection method: clinical testing. Allele origin: germline.
Comment: Variant summary: FOXP3 c.1189C>T (p.Arg397Trp) results in a non-conservative amino acid change located in the Fork head domain (IPR001766) of the encoded protein sequence. Five of five in-silico tools predict a damaging effect of the variant on protein function. The variant allele was found at a frequency of 5.5e-06 in 182711 control chromosomes (gnomAD). c.1189C>T has been reported in the literature in multiple individuals affected with Insulin-Dependent Diabetes Mellitus Secretory Diarrhea Syndrome (Wildin_2001, Xavier-DaSilva_2015, Gambineri_2018, Quinlan Jones_2019, Shangaris_2021). These data indicate that the variant is associated with disease. One clinical diagnostic laboratory has submitted clinical-significance assessments for this variant to ClinVar after 2014 and classified the variant as pathogenic. Based on the evidence outlined above, the variant was classified as pathogenic.

Labcorp Genetics (formerly Invitae), Labcorp
Classification: Pathogenic for Insulin-dependent diabetes mellitus secretory diarrhea syndrome. Last evaluated: 2021-07-07. Review status: criteria provided, single submitter. Criteria: Invitae Variant Classification Sherloc (09022015). Collection method: clinical testing. Allele origin: germline.
Comment: ClinVar contains an entry for this variant (Variation ID: 11407). This sequence change replaces arginine with tryptophan at codon 397 of the FOXP3 protein (p.Arg397Trp). The arginine residue is highly conserved and there is a moderate physicochemical difference between arginine and tryptophan. This variant is not present in population databases (ExAC no frequency). This variant has been observed in individuals with clinical features of IPEX syndrome (PMID: 11137992, 11295725, 25546394, 30293990, 30443250, 31130284). It has also been observed to segregate with disease in related individuals. Advanced modeling of protein sequence and biophysical properties (such as structural, functional, and spatial information, amino acid conservation, physicochemical variation, residue mobility, and thermodynamic stability) performed at Invitae indicates that this missense variant is expected to disrupt FOXP3 protein function. Experimental studies have shown that this variant affects FOXP3 protein function (PMID: 16920951, 22590469, 28778586, 28783662). For these reasons, this variant has been classified as Pathogenic.

Genetics - Synnovis, NHS South East Genomic Laboratory Hub
Classification: Pathogenic for Hydrops fetalis. Last evaluated: 2020-03-02. Review status: criteria provided, single submitter. Criteria: ACMG Guidelines, 2015. Collection method: clinical testing. Allele origin: maternal. Affected: yes. Observed: 1 variant allele, 1 hemizygote.
Comment: Levy-Lahad & Wildin (2001) also reported this variant in three siblings presenting with IPEX manifestations at birth. In all previously reported cases, the pathological process began during intrauterine life; furthermore, there are no survivors described.

Blueprint Genetics
Classification: Pathogenic for FOXP3-related disorders. Last evaluated: 2019-12-17. Review status: criteria provided, single submitter. Criteria: ACMG Guidelines, 2015. Collection method: clinical testing. Allele origin: germline. Affected: yes. Observed: 1 variant allele.

OMIM
Classification: Pathogenic for IMMUNODYSREGULATION, POLYENDOCRINOPATHY, AND ENTEROPATHY, X-LINKED. Last evaluated: 2001-04-01. Review status: no assertion criteria provided. Collection method: literature only. Allele origin: germline. Not counted in ClinVar's aggregate classification.

Literature cited by the submitters: PubMed 30293990 (cited by Women's Health and Genetics/Laboratory Corporation of America, LabCorp and Labcorp Genetics (formerly Invitae), Labcorp); PubMed 30443250 (cited by Women's Health and Genetics/Laboratory Corporation of America, LabCorp and Labcorp Genetics (formerly Invitae), Labcorp); PubMed 33637067 (cited by Women's Health and Genetics/Laboratory Corporation of America, LabCorp); PubMed 11137992 (cited by 3 submitters); PubMed 25546394 (cited by Women's Health and Genetics/Laboratory Corporation of America, LabCorp and Labcorp Genetics (formerly Invitae), Labcorp); PubMed 11295725 (cited by Labcorp Genetics (formerly Invitae), Labcorp and OMIM); PubMed 31130284 (cited by Labcorp Genetics (formerly Invitae), Labcorp); PubMed 16920951 (cited by Labcorp Genetics (formerly Invitae), Labcorp); PubMed 22590469 (cited by Labcorp Genetics (formerly Invitae), Labcorp); PubMed 28778586 (cited by Labcorp Genetics (formerly Invitae), Labcorp); PubMed 28783662 (cited by Labcorp Genetics (formerly Invitae), Labcorp); DOI 10.1016/j.clim.2014.12.007 (cited by Genetics - Synnovis, NHS South East Genomic Laboratory Hub); DOI 10.1067/mpd.2001.111502 (cited by Genetics - Synnovis, NHS South East Genomic Laboratory Hub).